The following is an entry in ClinVar:

NM_007126.5(VCP):c.1058T>C (p.Ile353Thr)

Gene: VCP (valosin containing protein; minus strand). Cytogenetic location: 9p13.3.
Variant type: single nucleotide variant.
Coding change: c.1058T>C on transcript NM_007126.5 (MANE Select); coding-DNA position 1058, T replaced by C.
Protein change: p.Ile353Thr; replaces isoleucine 353 with threonine.
Molecular consequence: missense variant.
Genome position (GRCh38, 1-based): chr9:35,062,026, A>G on the plus strand (T>C on the coding strand, the complement: VCP is on the minus strand). VCF-style: chr9-35062026-A-G. GRCh37 (hg19) VCF-style: chr9-35062023-A-G.
Other names: c.923T>C, p.Ile308Thr (NM_001354927.2, NM_001354928.2); short protein forms I353T, I308T.
Identifiers: ClinVar variation 2161550 (VCV002161550.4), dbSNP rs1276476611, ClinGen allele CA373284137.

ClinVar aggregate classification (germline): Uncertain significance (1 of 4 stars; one submission).

Conditions:
Frontotemporal dementia and/or amyotrophic lateral sclerosis 6 (FTDALS6). Also called: VCP-Related Amyotrophic Lateral Sclerosis/Frontotemporal Dementia; VCP-Related Amyotrophic Lateral Sclerosis. Identifiers: Orphanet 275872, Orphanet 803, MedGen C5436279, MONDO:0013501, OMIM 613954.
Inclusion body myopathy with Paget disease of bone and frontotemporal dementia. Also called: Inclusion body myopathy with early-onset Paget disease and frontotemporal dementia. Identifiers: Orphanet 52430, MedGen C1833662, MONDO:0000507.

Allele frequency attached by ClinVar (database versions not stated): gnomAD exomes below 0.00001; gnomAD 0.00001; TOPMed 0.00001.
gnomAD v4.1: 4 of 1,614,068 alleles (0.00025%); highest among the groups gnomAD compares: Non-Finnish European, 0.00034%; no homozygotes.

Submission:

Labcorp Genetics (formerly Invitae), Labcorp
Classification: Uncertain significance for Inclusion body myopathy with Paget disease of bone and frontotemporal dementia; Frontotemporal dementia and/or amyotrophic lateral sclerosis 6. Last evaluated: 2025-01-30. Review status: criteria provided, single submitter. Criteria: Invitae Variant Classification Sherloc (09022015). Collection method: clinical testing. Allele origin: germline.
Comment: This sequence change replaces isoleucine, which is neutral and non-polar, with threonine, which is neutral and polar, at codon 353 of the VCP protein (p.Ile353Thr). This variant is not present in population databases (gnomAD no frequency). This variant has not been reported in the literature in individuals affected with VCP-related conditions. ClinVar contains an entry for this variant (Variation ID: 2161550). Invitae Evidence Modeling of protein sequence and biophysical properties (such as structural, functional, and spatial information, amino acid conservation, physicochemical variation, residue mobility, and thermodynamic stability) indicates that this missense variant is not expected to disrupt VCP protein function with a negative predictive value of 80%. In summary, the available evidence is currently insufficient to determine the role of this variant in disease. Therefore, it has been classified as a Variant of Uncertain Significance.